The following is an entry in ClinVar:

ClinVar aggregate classification (germline): Uncertain significance. Review status: criteria provided, multiple submitters, no conflicts (2 of 4 stars). 2 submissions from 2 submitters: Uncertain significance (2). Last evaluated 2025-09-26.

Conditions:
C3 glomerulonephritis. Also called: C3 GLOMERULOPATHY 3; Nephropathy due to CFHR5 Deficiency. Identifiers: Orphanet 329931, MedGen C4055342, MONDO:0013892, OMIM 614809.
Factor I deficiency (CFID). Also called: Complement factor I deficiency. Identifiers: Orphanet 200418, MedGen C3463916, MONDO:0012594, OMIM 610984.

Allele frequency attached by ClinVar (database versions not stated): ExAC 0.00001; gnomAD 0.00001; gnomAD exomes 0.00001; TOPMed 0.00002; ESP Exome Variant Server 0.00008.
gnomAD v4.1: 12 of 1,610,518 alleles (0.00075%); highest among the groups gnomAD compares: Non-Finnish European, 0.00076%; no homozygotes.

Submissions (2):

Genomenon, Inc
Classification: Uncertain significance for C3 glomerulonephritis. Last evaluated: 2025-09-26. Review status: criteria provided, single submitter. Criteria: Genomenon Sequence Variant Interpretation Standards - Updated. Collection method: curation. Allele origin: germline. Affected: yes.
Comment: CFI c.-4C>T is a variant located in the 5′ untranslated region (5′ UTR). This variant has been observed in at least one proband affected with C3 glomerulonephritis (PMID:26895476). Functional studies have been reported; however, the significance of the findings remain unclear (PMID:31014550). It is absent or not present at a significant frequency in gnomAD. In conclusion, we classify CFI c.-4C>T as a variant of unknown significance.

MVZ Medizinische Genetik Mainz
Classification: Uncertain significance for Factor I deficiency. Last evaluated: 2023-12-07. Review status: criteria provided, single submitter. Criteria: UK Practice Guidelines For Variant Classification V4 01 2020. Collection method: clinical testing. Allele origin: germline. Inheritance: Autosomal recessive inheritance. Affected: yes. Observed: 1 variant allele.
Comment: ACMG Criteria: PM2_SUP; Compound Heterozygote

Literature cited by the submitters: PubMed 26895476 (cited by Genomenon, Inc); 31014550 (cited by Genomenon, Inc).

NM_000204.5(CFI):c.-4C>T

Gene: CFI (complement factor I; minus strand). Cytogenetic location: 4q25.
Variant type: single nucleotide variant.
Coding change: c.-4C>T on transcript NM_000204.5 (MANE Select); 4 bases upstream of the start codon, C replaced by T.
Molecular consequence: 5 prime UTR variant. On other transcripts: non-coding transcript variant (3).
Genome position (GRCh38, 1-based): chr4:109,801,975, G>A on the plus strand (C>T on the coding strand, the complement: CFI is on the minus strand). VCF-style: chr4-109801975-G-A. GRCh37 (hg19) VCF-style: chr4-110723131-G-A.
Other names: c.-4C>T (NM_001375282.1, NM_001375283.1, NM_001318057.2 and 5 more transcripts); c.-188C>T (NM_001375284.1).
Identifiers: ClinVar variation 3235996 (VCV003235996.2), dbSNP rs368054438, ClinGen allele CA3042382.
Genomic context (GRCh38, chr4:109,801,975, plus strand): 5'-CTTGCAAAACCTTAAGTGGAAGCACAGAAATAACAGGAAAACATGAAGAAGCTTCATGTT[G>A]GAGGTGTTCGGGGTCTTTGTCTCTGCTGAGAACTCTTTTCCACTCCAGGTATTCTTTTGA-3'